The following is an entry in ClinVar:

ClinVar aggregate classification (germline): Uncertain significance (1 of 4 stars; one submission).

Conditions:
Autosomal recessive nonsyndromic hearing loss 84B. Also called: Deafness, autosomal recessive 84b. Identifiers: Orphanet 90636, MedGen C3554159, MONDO:0013984, OMIM 614944.

gnomAD v4.1: 2 of 1,608,804 alleles (0.00012%); highest among the groups gnomAD compares: Middle Eastern, 0.017%; no homozygotes.

Submission:

Victorian Clinical Genetics Services, Murdoch Childrens Research Institute
Classification: Uncertain significance for Autosomal recessive nonsyndromic hearing loss 84B. Last evaluated: 2025-09-24. Review status: criteria provided, single submitter. Criteria: ACMG Guidelines, 2015. Collection method: clinical testing. Allele origin: germline. Affected: yes.
Comment: This variant is classified as VUS-3B. Evidence in support of pathogenic classification: Variant is present in gnomAD <0.01 for a recessive condition (v4: 2 heterozygote(s), 0 homozygote(s)) ; Missense variant predicted to be damaging by in silico tool(s) or highly conserved with a major amino acid change. Additional information: Variant is predicted to result in a missense amino acid change from Glu to Ala; This variant is homozygous; This gene is associated with autosomal recessive disease; This variant has no previous evidence of pathogenicity; No published evidence of segregation with disease has been identified for this variant; No published functional evidence has been identified for this variant; No comparable missense variants have previous evidence for pathogenicity; Variant is located in the annotated C8 domain (DECIPHER); Loss of function is a known mechanism of disease in this gene and is associated with deafness, autosomal recessive 84B (MIM#614944); Inheritance information for this variant is not currently available in this individual.

NM_001378609.3(OTOGL):c.5288A>C (p.Glu1763Ala)

Gene: OTOGL (otogelin like; plus strand). Cytogenetic location: 12q21.31.
Variant type: single nucleotide variant.
Coding change: c.5288A>C on transcript NM_001378609.3 (MANE Select); coding-DNA position 5288, A replaced by C.
Protein change: p.Glu1763Ala; replaces glutamic acid 1763 with alanine.
Molecular consequence: missense variant.
Genome position (GRCh38, 1-based): chr12:80,352,317, A>C. VCF-style: chr12-80352317-A-C. GRCh37 (hg19) VCF-style: chr12-80746097-A-C.
Other names: c.5153A>C, p.Glu1718Ala (NM_001368062.3); c.5288A>C, p.Glu1763Ala (NM_001378610.3, NM_173591.7); short protein forms E1718A, E1763A.
Identifiers: ClinVar variation 4531438 (VCV004531438.1).
Genomic context (GRCh38, chr12:80,352,317, plus strand): 5'-AACAATATAACTTATTTCAAGGCAAAATGTTTCTCTAGGTTTCACCGGAAGACTTTTGTG[A>C]AAAGATGTGGATCAATTATACCTATTTTTGGAACTATGAATGTGATGCACTTTCTGCATA-3'
Protein context (NP_001365538.2, residues 1753-1773): HDKVSPEDFC[Glu1763Ala]KMWINYTYFW